The following is an entry in ClinVar:

ClinVar aggregate classification (germline): Uncertain significance. Review status: criteria provided, multiple submitters, no conflicts (2 of 4 stars). 2 submissions from 2 submitters: Uncertain significance (2). Last evaluated 2024-11-24.

Conditions:
Hereditary cancer-predisposing syndrome. Also called: Tumor predisposition; Hereditary neoplastic syndrome; Neoplastic Syndromes, Hereditary; Hereditary Cancer Syndrome. Identifiers: Orphanet 140162, MedGen C0027672, MeSH D009386, MONDO:0015356.
Gastrointestinal stromal tumor. Also called: Gastrointestinal stroma tumor; Gastrointestinal stromal tumor, somatic. Identifiers: Orphanet 44890, MedGen C0238198, MeSH D046152, MONDO:0011719, OMIM 606764, HP:0100723.

Allele frequency attached by ClinVar (database versions not stated): gnomAD exomes below 0.00001 and 0.00001; ExAC 0.00001.
gnomAD v4.1: 9 of 1,614,034 alleles (0.00056%); highest among the groups gnomAD compares: Non-Finnish European, 0.00076%; no homozygotes.

Submissions (2):

Labcorp Genetics (formerly Invitae), Labcorp
Classification: Uncertain significance for Gastrointestinal stromal tumor. Last evaluated: 2024-11-24. Review status: criteria provided, single submitter. Criteria: Invitae Variant Classification Sherloc (09022015). Collection method: clinical testing. Allele origin: germline.
Comment: This sequence change replaces alanine, which is neutral and non-polar, with serine, which is neutral and polar, at codon 191 of the PDGFRA protein (p.Ala191Ser). This variant is present in population databases (rs267600185, gnomAD 0.0009%). This variant has not been reported in the literature in individuals affected with PDGFRA-related conditions. ClinVar contains an entry for this variant (Variation ID: 459109). Invitae Evidence Modeling of protein sequence and biophysical properties (such as structural, functional, and spatial information, amino acid conservation, physicochemical variation, residue mobility, and thermodynamic stability) indicates that this missense variant is not expected to disrupt PDGFRA protein function with a negative predictive value of 80%. In summary, the available evidence is currently insufficient to determine the role of this variant in disease. Therefore, it has been classified as a Variant of Uncertain Significance.

Ambry Genetics
Classification: Uncertain significance for Hereditary cancer-predisposing syndrome. Last evaluated: 2024-05-24. Review status: criteria provided, single submitter. Criteria: Ambry Variant Classification Scheme 2023. Collection method: clinical testing. Allele origin: germline.
Comment: The p.A191S variant (also known as c.571G>T), located in coding exon 3 of the PDGFRA gene, results from a G to T substitution at nucleotide position 571. The alanine at codon 191 is replaced by serine, an amino acid with similar properties. This amino acid position is conserved. In addition, this alteration is predicted to be tolerated by in silico analysis. Based on the available evidence, the clinical significance of this variant remains unclear.

NM_006206.6(PDGFRA):c.571G>T (p.Ala191Ser)

Gene: PDGFRA (platelet derived growth factor receptor alpha; plus strand). Cytogenetic location: 4q12.
Variant type: single nucleotide variant.
Coding change: c.571G>T on transcript NM_006206.6 (MANE Select); coding-DNA position 571, G replaced by T.
Protein change: p.Ala191Ser; replaces alanine 191 with serine.
Molecular consequence: missense variant.
Genome position (GRCh38, 1-based): chr4:54,263,870, G>T. VCF-style: chr4-54263870-G-T. GRCh37 (hg19) VCF-style: chr4-55130037-G-T.
Other names: c.571G>T, p.Ala191Ser (NM_001347827.2, NM_001347829.2); c.646G>T, p.Ala216Ser (NM_001347828.2); c.610G>T, p.Ala204Ser (NM_001347830.2); short protein forms A191S, A216S, A204S.
Identifiers: ClinVar variation 459109 (VCV000459109.10), dbSNP rs267600185, ClinGen allele CA2922312.